The following is an entry in ClinVar:

ClinVar aggregate classification (germline): Uncertain significance (1 of 4 stars; one submission).

Conditions:
Short-rib thoracic dysplasia 11 with or without polydactyly (SRTD11). Also called: SHORT-RIB THORACIC DYSPLASIA 11 WITHOUT POLYDACTYLY. Identifiers: Orphanet 474, Orphanet 93271, MedGen C3810200, MONDO:0014287, OMIM 615633.

gnomAD v4.1: 2 of 1,612,738 alleles (0.00012%); highest among the groups gnomAD compares: Non-Finnish European, 0.000085%; no homozygotes.

Submission:

Labcorp Genetics (formerly Invitae), Labcorp
Classification: Uncertain significance for Short-rib thoracic dysplasia 11 with or without polydactyly. Last evaluated: 2024-11-05. Review status: criteria provided, single submitter. Criteria: Invitae Variant Classification Sherloc (09022015). Collection method: clinical testing. Allele origin: germline.
Comment: This sequence change replaces alanine, which is neutral and non-polar, with threonine, which is neutral and polar, at codon 337 of the WDR34 protein (p.Ala337Thr). This variant is not present in population databases (gnomAD no frequency). This variant has not been reported in the literature in individuals affected with WDR34-related conditions. An algorithm developed to predict the effect of missense changes on protein structure and function outputs the following: PolyPhen-2: "Benign". The threonine amino acid residue is found in multiple mammalian species, which suggests that this missense change does not adversely affect protein function. In summary, the available evidence is currently insufficient to determine the role of this variant in disease. Therefore, it has been classified as a Variant of Uncertain Significance.

NM_052844.4(DYNC2I2):c.1009G>A (p.Ala337Thr)

Genes: DYNC2I2 (dynein 2 intermediate chain 2; minus strand), LOC126860772 (CDK7 strongly-dependent group 2 enhancer GRCh37_chr9:131396972-131398171; plus strand). Cytogenetic location: 9q34.11.
Variant type: single nucleotide variant.
Coding change: c.1009G>A on transcript NM_052844.4 (MANE Select); coding-DNA position 1009, G replaced by A.
Protein change: p.Ala337Thr; replaces alanine 337 with threonine.
Molecular consequence: missense variant.
Genome position (GRCh38, 1-based): chr9:128,634,894, C>T on the plus strand (G>A on the coding strand, the complement: DYNC2I2 is on the minus strand). VCF-style: chr9-128634894-C-T. GRCh37 (hg19) VCF-style: chr9-131397173-C-T.
Other names: short protein forms A337T.
Identifiers: ClinVar variation 3694307 (VCV003694307.2).
Genomic context (GRCh38, chr9:128,634,894, plus strand): 5'-CGCCTTCCGTGCCCAGAATGAACAGCCTAGGGTCAAAGCTGGAGAAGGCCACTGCCGTGG[C>T]GCCCACCTCGGTCTCCCCGCGGGGATGCTGTGGAGAAATGGCAGCAGCAGGGTCAGAGCC-3'
Protein context (NP_443076.2, residues 327-347): KHPRGETEVG[Ala337Thr]TAVAFSSFDP